The following is an entry in ClinVar:

NM_000038.6(APC):c.6372A>T (p.Leu2124Phe)

Gene: APC (APC regulator of Wnt signaling pathway; plus strand). Cytogenetic location: 5q22.2.
Variant type: single nucleotide variant.
Coding change: c.6372A>T on transcript NM_000038.6 (MANE Select); coding-DNA position 6372, A replaced by T.
Protein change: p.Leu2124Phe; replaces leucine 2124 with phenylalanine.
Molecular consequence: missense variant. On other transcripts: non-coding transcript variant (2).
Genome position (GRCh38, 1-based): chr5:112,841,966, A>T. VCF-style: chr5-112841966-A-T. GRCh37 (hg19) VCF-style: chr5-112177663-A-T.
Other names: c.5994A>T, p.Leu1998Phe (NM_001354904.2); c.5892A>T, p.Leu1964Phe (NM_001354905.2); c.5523A>T, p.Leu1841Phe (NM_001354906.2, NM_001407470.1); c.6456A>T, p.Leu2152Phe (NM_001407446.1); c.6426A>T, p.Leu2142Phe (NM_001407447.1, NM_001407448.1, NM_001407449.1 and 1 more transcripts); c.6372A>T, p.Leu2124Phe (NM_001407450.1, NM_001127510.3, NM_001354895.2); c.6351A>T, p.Leu2117Phe (NM_001407451.1); c.6342A>T, p.Leu2114Phe (NM_001407452.1); and 11 more; short protein forms L1740F, L1841F, L1964F, L1995F, L1998F, L2023F, L2033F, L2041F.
Identifiers: ClinVar variation 4801505 (VCV004801505.1).

ClinVar aggregate classification (germline): Uncertain significance (1 of 4 stars; one submission).

Conditions:
Familial adenomatous polyposis 1 (FAP1). Also called: FAMILIAL ADENOMATOUS POLYPOSIS 1, ATTENUATED; POLYPOSIS, ADENOMATOUS INTESTINAL. Identifiers: MedGen C2713442, MONDO:0021056, OMIM 175100. Disease mechanism: loss of function.

Submission:

Labcorp Genetics (formerly Invitae), Labcorp
Classification: Uncertain significance for Familial adenomatous polyposis 1. Last evaluated: 2025-10-13. Review status: criteria provided, single submitter. Criteria: Invitae Variant Classification Sherloc (09022015). Collection method: clinical testing. Allele origin: germline.
Comment: This sequence change replaces leucine, which is neutral and non-polar, with phenylalanine, which is neutral and non-polar, at codon 2124 of the APC protein (p.Leu2124Phe). This variant is not present in population databases (gnomAD no frequency). This variant has not been reported in the literature in individuals affected with APC-related conditions. Invitae Evidence Modeling of protein sequence and biophysical properties (such as structural, functional, and spatial information, amino acid conservation, physicochemical variation, residue mobility, and thermodynamic stability) indicates that this missense variant is not expected to disrupt APC protein function with a negative predictive value of 95%. In summary, the available evidence is currently insufficient to determine the role of this variant in disease. Therefore, it has been classified as a Variant of Uncertain Significance.